The following is an entry in ClinVar:

ClinVar aggregate classification (germline): Likely benign (1 of 4 stars; one submission).

Conditions:
Leukocyte adhesion deficiency type II. Also called: CONGENITAL DISORDER OF GLYCOSYLATION, TYPE IIc; CDG IIc; Congenital disorder of glycosylation type 2C; CDG 2C; Leukocyte adhesion deficiency type 2; Rambam Hasharon syndrome. Identifiers: Orphanet 2968, Orphanet 99843, MedGen C0398739, MONDO:0009953, OMIM 266265.

Allele frequency attached by ClinVar (database versions not stated): gnomAD exomes 0.00082; gnomAD 0.00797 and 0.00851; 1000 Genomes Project 0.00859; 1000 Genomes Project 30x 0.00937; TOPMed 0.00940.
gnomAD v4.1: 1,453 of 456,016 alleles (0.32%); highest among the groups gnomAD compares: African/African-American, 2.7%; 22 homozygotes.

Submission:

Illumina Laboratory Services, Illumina
Classification: Likely benign for Leukocyte adhesion deficiency type II. Last evaluated: 2018-01-13. Review status: criteria provided, single submitter. Criteria: ICSL Variant Classification Criteria 13 December 2019. Collection method: clinical testing. Allele origin: germline.
Comment: This variant was observed in the ICSL laboratory as part of a predisposition screen in an ostensibly healthy population. It had not been previously curated by ICSL or reported in the Human Gene Mutation Database (HGMD: prior to June 1st, 2018), and was therefore a candidate for classification through an automated scoring system. Utilizing variant allele frequency, disease prevalence and penetrance estimates, and inheritance mode, an automated score was calculated to assess if this variant is too frequent to cause the disease. Based on the score and internal cut-off values, a variant classified as likely benign is not then subjected to further curation. The score for this variant resulted in a classification of likely benign for this disease.

NM_018389.5(SLC35C1):c.*1208G>A

Gene: SLC35C1 (solute carrier family 35 member C1; plus strand). Cytogenetic location: 11p11.2.
Variant type: single nucleotide variant.
Coding change: c.*1208G>A on transcript NM_018389.5 (MANE Select); 1208 bases downstream of the stop codon, G replaced by A.
Molecular consequence: 3 prime UTR variant.
Genome position (GRCh38, 1-based): chr11:45,812,543, G>A. VCF-style: chr11-45812543-G-A. GRCh37 (hg19) VCF-style: chr11-45834094-G-A.
Other names: c.*1208G>A (NM_001145265.2, NM_001145266.2).
Identifiers: ClinVar variation 304758 (VCV000304758.5), dbSNP rs115509471, ClinGen allele CA10639176.
Genomic context (GRCh38, chr11:45,812,543, plus strand): 5'-GGCTGGGACGCCCAAGATCAAGAGGCCAGCAGATTCGGACTCCGCTGAGGGCTGTTTCCC[G>A]ATCCATAGATGGTGCCTTCTCGCTGTATCCTCAATGGTAGAAGCACAAACAAGCAAGCTC-3'